The following is an entry in ClinVar:

NM_032444.4(SLX4):c.3724G>T (p.Glu1242Ter)

Gene: SLX4 (SLX4 structure-specific endonuclease subunit; minus strand). Cytogenetic location: 16p13.3.
Variant type: single nucleotide variant.
Coding change: c.3724G>T on transcript NM_032444.4 (MANE Select); coding-DNA position 3724, G replaced by T.
Protein change: p.Glu1242Ter; replaces glutamic acid 1242 with a stop codon.
Molecular consequence: nonsense.
Genome position (GRCh38, 1-based): chr16:3,589,914, C>A on the plus strand (G>T on the coding strand, the complement: SLX4 is on the minus strand). VCF-style: chr16-3589914-C-A. GRCh37 (hg19) VCF-style: chr16-3639915-C-A.
Other names: short protein forms E1242*.
Identifiers: ClinVar variation 1460209 (VCV001460209.6), dbSNP rs770687847, ClinGen allele CA394519535.

ClinVar aggregate classification (germline): Pathogenic (1 of 4 stars; one submission).

Conditions:
Fanconi anemia (FA). Also called: Fanconi's anemia. Identifiers: Orphanet 84, MedGen C0015625, MeSH D005199, MONDO:0019391.

gnomAD v4.1: 1 of 1,613,936 alleles (0.000062%); highest among the groups gnomAD compares: Admixed American, 0.0017%; no homozygotes.

Submission:

Labcorp Genetics (formerly Invitae), Labcorp
Classification: Pathogenic for Fanconi anemia. Last evaluated: 2021-02-01. Review status: criteria provided, single submitter. Criteria: Invitae Variant Classification Sherloc (09022015). Collection method: clinical testing. Allele origin: germline.
Comment: For these reasons, this variant has been classified as Pathogenic. This variant has not been reported in the literature in individuals with SLX4-related conditions. This variant is not present in population databases (ExAC no frequency). This sequence change creates a premature translational stop signal (p.Glu1242*) in the SLX4 gene. It is expected to result in an absent or disrupted protein product. Loss-of-function variants in SLX4 are known to be pathogenic (PMID: 21240277).

Literature cited by the submitters: PubMed 21240277.